The following is an entry in ClinVar:

ClinVar aggregate classification (germline): Uncertain significance. Review status: criteria provided, multiple submitters, no conflicts (2 of 4 stars). 2 submissions from 2 submitters: Uncertain significance (2). Last evaluated 2024-04-03.

Conditions:
Donnai-Barrow syndrome. Also called: DBS/FOAR SYNDROME; FACIOOCULOACOUSTICORENAL SYNDROME. Identifiers: Orphanet 2143, MedGen C1857277, MONDO:0009104, OMIM 222448.

Allele frequency attached by ClinVar (database versions not stated): gnomAD exomes 0.00001; TOPMed 0.00001; ExAC 0.00002.
gnomAD v4.1: 3 of 1,613,962 alleles (0.00019%); highest among the groups gnomAD compares: Non-Finnish European, 0.00025%; no homozygotes.

Submissions (2):

Fulgent Genetics
Classification: Uncertain significance for Donnai-Barrow syndrome. Last evaluated: 2024-04-03. Review status: criteria provided, single submitter. Criteria: ACMG Guidelines, 2015. Collection method: clinical testing. Allele origin: germline.

Labcorp Genetics (formerly Invitae), Labcorp
Classification: Uncertain significance. Last evaluated: 2022-07-26. Review status: criteria provided, single submitter. Criteria: Invitae Variant Classification Sherloc (09022015). Collection method: clinical testing. Allele origin: germline.
Comment: This sequence change replaces proline, which is neutral and non-polar, with alanine, which is neutral and non-polar, at codon 2668 of the LRP2 protein (p.Pro2668Ala). This variant is present in population databases (rs771123967, gnomAD 0.003%). This variant has not been reported in the literature in individuals affected with LRP2-related conditions. ClinVar contains an entry for this variant (Variation ID: 1461606). Advanced modeling of protein sequence and biophysical properties (such as structural, functional, and spatial information, amino acid conservation, physicochemical variation, residue mobility, and thermodynamic stability) performed at Invitae indicates that this missense variant is not expected to disrupt LRP2 protein function. Algorithms developed to predict the effect of sequence changes on RNA splicing suggest that this variant may create or strengthen a splice site. In summary, the available evidence is currently insufficient to determine the role of this variant in disease. Therefore, it has been classified as a Variant of Uncertain Significance.

NM_004525.3(LRP2):c.8002C>G (p.Pro2668Ala)

Gene: LRP2 (LDL receptor related protein 2; minus strand). Cytogenetic location: 2q31.1.
Variant type: single nucleotide variant.
Coding change: c.8002C>G on transcript NM_004525.3 (MANE Select); coding-DNA position 8002, C replaced by G.
Protein change: p.Pro2668Ala; replaces proline 2668 with alanine.
Molecular consequence: missense variant.
Genome position (GRCh38, 1-based): chr2:169,203,985, G>C on the plus strand (C>G on the coding strand, the complement: LRP2 is on the minus strand). VCF-style: chr2-169203985-G-C. GRCh37 (hg19) VCF-style: chr2-170060495-G-C.
Other names: short protein forms P2668A.
Identifiers: ClinVar variation 1461606 (VCV001461606.6), dbSNP rs771123967, ClinGen allele CA1953966.